The following is an entry in ClinVar:

ClinVar aggregate classification (germline): Uncertain significance (1 of 4 stars; one submission).

Submission:

Labcorp Genetics (formerly Invitae), Labcorp
Classification: Uncertain significance. Last evaluated: 2022-09-19. Review status: criteria provided, single submitter. Criteria: Invitae Variant Classification Sherloc (09022015). Collection method: clinical testing. Allele origin: germline.
Comment: This sequence change replaces cysteine, which is neutral and slightly polar, with tyrosine, which is neutral and polar, at codon 96 of the C8A protein (p.Cys96Tyr). This variant is not present in population databases (gnomAD no frequency). This variant has not been reported in the literature in individuals affected with C8A-related conditions. Algorithms developed to predict the effect of missense changes on protein structure and function are either unavailable or do not agree on the potential impact of this missense change (SIFT: "Deleterious"; PolyPhen-2: "Probably Damaging"; Align-GVGD: "Class C0"). In summary, the available evidence is currently insufficient to determine the role of this variant in disease. Therefore, it has been classified as a Variant of Uncertain Significance.

NM_000562.3(C8A):c.287G>A (p.Cys96Tyr)

Gene: C8A (complement C8 alpha chain; plus strand). Cytogenetic location: 1p32.2.
Variant type: single nucleotide variant.
Coding change: c.287G>A on transcript NM_000562.3 (MANE Select); coding-DNA position 287, G replaced by A.
Protein change: p.Cys96Tyr; replaces cysteine 96 with tyrosine.
Molecular consequence: missense variant.
Genome position (GRCh38, 1-based): chr1:56,875,064, G>A. VCF-style: chr1-56875064-G-A. GRCh37 (hg19) VCF-style: chr1-57340737-G-A.
Other names: short protein forms C96Y.
Identifiers: ClinVar variation 1958783 (VCV001958783.2), dbSNP rs2522515807, ClinGen allele CA340512695.